The following is an entry in ClinVar:

NM_001048174.2(MUTYH):c.127C>A (p.Gln43Lys)

Gene: MUTYH (mutY DNA glycosylase; minus strand). Cytogenetic location: 1p34.1.
Variant type: single nucleotide variant.
Coding change: c.127C>A on transcript NM_001048174.2 (MANE Select); coding-DNA position 127, C replaced by A.
Protein change: p.Gln43Lys; replaces glutamine 43 with lysine.
Molecular consequence: missense variant. On other transcripts: 5 prime UTR variant (1), non-coding transcript variant (5), intron variant (5).
Genome position (GRCh38, 1-based): chr1:45,333,550, G>T on the plus strand (C>A on the coding strand, the complement: MUTYH is on the minus strand). VCF-style: chr1-45333550-G-T. GRCh37 (hg19) VCF-style: chr1-45799222-G-T.
Other names: c.127C>A, p.Gln43Lys (NM_001048171.2, NM_001048173.2, NM_001293195.2 and 6 more transcripts); c.130C>A, p.Gln44Lys (NM_001048172.2, NM_001407071.1, NM_001407078.1 and 2 more transcripts); c.211C>A, p.Gln71Lys (NM_001128425.2); c.172C>A, p.Gln58Lys (NM_001293190.2); c.160C>A, p.Gln54Lys (NM_001293191.2, NM_001407077.1); c.-145C>A (NM_001350650.2); c.202C>A, p.Gln68Lys (NM_001407069.1, NM_012222.3); c.169C>A, p.Gln57Lys (NM_001407073.1, NM_001407083.1, NM_001407085.1); and 4 more; short protein forms Q15K, Q43K, Q71K, Q44K, Q50K, Q54K, Q57K, Q58K.
Identifiers: ClinVar variation 4113503 (VCV004113503.1).

ClinVar aggregate classification (germline): Uncertain significance (1 of 4 stars; one submission).

Conditions:
Hereditary cancer-predisposing syndrome. Also called: Hereditary neoplastic syndrome; Neoplastic Syndromes, Hereditary; Tumor predisposition; Hereditary Cancer Syndrome. Identifiers: Orphanet 140162, MedGen C0027672, MeSH D009386, MONDO:0015356.

Submission:

Ambry Genetics
Classification: Uncertain significance for Hereditary cancer-predisposing syndrome. Last evaluated: 2025-08-27. Review status: criteria provided, single submitter. Criteria: Ambry Variant Classification Scheme 2023. Collection method: clinical testing. Allele origin: germline.
Comment: The p.Q71K variant (also known as c.211C>A), located in coding exon 3 of the MUTYH gene, results from a C to A substitution at nucleotide position 211. The glutamine at codon 71 is replaced by lysine, an amino acid with similar properties. This amino acid position is conserved. In addition, this alteration is predicted to be tolerated by in silico analysis. Based on the available evidence, the clinical significance of this variant remains unclear.